The following is an entry in ClinVar:

ClinVar aggregate classification (germline): Uncertain significance (1 of 4 stars; one submission).

Submission:

Labcorp Genetics (formerly Invitae), Labcorp
Classification: Uncertain significance. Last evaluated: 2025-11-10. Review status: criteria provided, single submitter. Criteria: Invitae Variant Classification Sherloc (09022015). Collection method: clinical testing. Allele origin: germline.
Comment: This variant, c.362_363insGCAGCAACA, results in the insertion of 3 amino acid(s) of the ARID1B protein (p.Gln129_Gln131dup), but otherwise preserves the integrity of the reading frame. This variant is not present in population databases (gnomAD no frequency). This variant has not been reported in the literature in individuals affected with ARID1B-related conditions. In summary, the available evidence is currently insufficient to determine the role of this variant in disease. Therefore, it has been classified as a Variant of Uncertain Significance.

NM_001374828.1(ARID1B):c.611_612insGCAGCAACA (p.Gln214_His215insGlnGlnGln)

Genes: ARID1B (AT-rich interaction domain 1B; plus strand), LOC115308161 (uncharacterized LOC115308161; minus strand). Cytogenetic location: 6q25.3.
Variant type: Microsatellite.
Coding change: c.611_612insGCAGCAACA on transcript NM_001374828.1 (MANE Select); coding-DNA positions 611 to 612, GCAGCAACA inserted.
Protein change: p.Gln214_His215insGlnGlnGln.
Molecular consequence: inframe insertion. On other transcripts: non-coding transcript variant (1).
Genome position: GRCh38 VCF-style: chr6-156778289-G-GCAGCAGCAA. GRCh37 (hg19) VCF-style: chr6-157099423-G-GCAGCAGCAA.
Other names: c.611_612insGCAGCAACA, p.Gln214_His215insGlnGlnGln (NM_001371656.1, NM_001374820.1, NM_001438482.1 and 9 more transcripts).
Identifiers: ClinVar variation 4738199 (VCV004738199.1).